The following is an entry in ClinVar:

NM_000051.4(ATM):c.3732del (p.Ile1244fs)

Gene: ATM (ATM serine/threonine kinase; plus strand). Cytogenetic location: 11q22.3.
Variant type: Deletion.
Coding change: c.3732del on transcript NM_000051.4 (MANE Select); coding-DNA position 3732, one base deleted (T; older notation c.3732delT).
Protein change: p.Ile1244fs; shifts the reading frame from isoleucine 1244.
Molecular consequence: frameshift variant.
Genome position (GRCh38, 1-based): chr11:108,282,865, T deleted; the last of 2 consecutive T bases (chr11:108,282,864-108,282,865); deleting either gives the same sequence. VCF-style (leftmost placement, unchanged base first): chr11-108282863-AT-A. GRCh37 (hg19) VCF-style: chr11-108153590-AT-A.
Other names: c.3732del, p.Ile1244fs (NM_001351834.2); short protein forms I1244fs.
Identifiers: ClinVar variation 2825314 (VCV002825314.3), dbSNP rs2546880546, ClinGen allele CA2739270910.

ClinVar aggregate classification (germline): Pathogenic (1 of 4 stars; one submission).

Conditions:
Ataxia-telangiectasia syndrome (AT). Also called: ATAXIA-TELANGIECTASIA, COMPLEMENTATION GROUP A; Ataxia telangiectasia (A-T); Cerebello-oculocutaneous telangiectasia; Immunodeficiency with ataxia telangiectasia; LOUIS-BAR SYNDROME; ATAXIA-TELANGIECTASIA, FRESNO VARIANT. Identifiers: Orphanet 100, MedGen C0004135, MONDO:0008840, OMIM 208900.

Submission:

Labcorp Genetics (formerly Invitae), Labcorp
Classification: Pathogenic for Ataxia-telangiectasia syndrome. Last evaluated: 2025-08-18. Review status: criteria provided, single submitter. Criteria: Invitae Variant Classification Sherloc (09022015). Collection method: clinical testing. Allele origin: germline.
Comment: This sequence change creates a premature translational stop signal (p.Ile1244Metfs*12) in the ATM gene. It is expected to result in an absent or disrupted protein product. Loss-of-function variants in ATM are known to be pathogenic (PMID: 23807571, 25614872). This variant is not present in population databases (gnomAD no frequency). This variant has not been reported in the literature in individuals affected with ATM-related conditions. ClinVar contains an entry for this variant (Variation ID: 2825314). For these reasons, this variant has been classified as Pathogenic.

Literature cited by the submitters: PubMed 23807571; PubMed 25614872.